The following is an entry in ClinVar:

ClinVar aggregate classification (germline): Conflicting classifications of pathogenicity. Review status: criteria provided, conflicting classifications (1 of 4 stars). 2 submissions from 2 submitters: Uncertain significance (1); Likely benign (1). Last evaluated 2024-03-27.

Conditions:
Hereditary cancer-predisposing syndrome. Also called: Hereditary Cancer Syndrome; Hereditary neoplastic syndrome; Tumor predisposition; Neoplastic Syndromes, Hereditary. Identifiers: Orphanet 140162, MedGen C0027672, MeSH D009386, MONDO:0015356.

Submissions (2):

Ambry Genetics
Classification: Likely benign for Hereditary cancer-predisposing syndrome. Last evaluated: 2024-03-27. Review status: criteria provided, single submitter. Criteria: Ambry Variant Classification Scheme 2023. Collection method: clinical testing. Allele origin: germline.

Labcorp Genetics (formerly Invitae), Labcorp
Classification: Uncertain significance. Last evaluated: 2022-01-22. Review status: criteria provided, single submitter. Criteria: Invitae Variant Classification Sherloc (09022015). Collection method: clinical testing. Allele origin: germline.
Comment: Algorithms developed to predict the effect of missense changes on protein structure and function output the following: SIFT: "Tolerated"; PolyPhen-2: "Benign"; Align-GVGD: "Class C0". The proline amino acid residue is found in multiple mammalian species, which suggests that this missense change does not adversely affect protein function. In summary, the available evidence is currently insufficient to determine the role of this variant in disease. Therefore, it has been classified as a Variant of Uncertain Significance. ClinVar contains an entry for this variant (Variation ID: 842682). This variant has not been reported in the literature in individuals affected with MSH3-related conditions. This variant is not present in population databases (gnomAD no frequency). This sequence change replaces serine, which is neutral and polar, with proline, which is neutral and non-polar, at codon 218 of the MSH3 protein (p.Ser218Pro).

NM_002439.5(MSH3):c.652T>C (p.Ser218Pro)

Gene: MSH3 (mutS homolog 3; plus strand). Cytogenetic location: 5q14.1.
Variant type: single nucleotide variant.
Coding change: c.652T>C on transcript NM_002439.5 (MANE Select); coding-DNA position 652, T replaced by C.
Protein change: p.Ser218Pro; replaces serine 218 with proline.
Molecular consequence: missense variant.
Genome position (GRCh38, 1-based): chr5:80,670,169, T>C. VCF-style: chr5-80670169-T-C. GRCh37 (hg19) VCF-style: chr5-79965988-T-C.
Other names: c.652T>C (NM_002439.3); short protein forms S218P.
Identifiers: ClinVar variation 842682 (VCV000842682.10), dbSNP rs1749671918, ClinGen allele CA360266632.